The following is an entry in ClinVar:

ClinVar aggregate classification (germline): Benign (1 of 4 stars; one submission).

Conditions:
Juvenile polyposis syndrome (JPS). Identifiers: Orphanet 2929, MedGen C0345893, MONDO:0017380, OMIM 174900.

Submission:

Myriad Genetics, Inc.
Classification: Benign for Juvenile polyposis syndrome. Last evaluated: 2024-09-25. Review status: criteria provided, single submitter. Criteria: Myriad Autosomal Dominant, Autosomal Recessive and X-Linked Classification Criteria (2023). Collection method: clinical testing. Allele origin: unknown.
Comment: This variant is considered benign. This variant occurs in the non-coding 3' untranslated region of the gene, and is not expected to impact protein function.

NM_004329.3(BMPR1A):c.*9C>T

Gene: BMPR1A (bone morphogenetic protein receptor type 1A; plus strand). Cytogenetic location: 10q23.2.
Variant type: single nucleotide variant.
Coding change: c.*9C>T on transcript NM_004329.3 (MANE Select); 9 bases downstream of the stop codon, C replaced by T.
Molecular consequence: 3 prime UTR variant. On other transcripts: non-coding transcript variant (3).
Genome position (GRCh38, 1-based): chr10:86,923,728, C>T. VCF-style: chr10-86923728-C-T. GRCh37 (hg19) VCF-style: chr10-88683485-C-T.
Other names: c.*9C>T (NM_001406585.1, NM_001406586.1, NM_001406587.1 and 28 more transcripts).
Identifiers: ClinVar variation 3378802 (VCV003378802.1).
Genomic context (GRCh38, chr10:86,923,728, plus strand): 5'-AATTAAGAAGACGCTTGCCAAGATGGTTGAATCCCAAGATGTAAAAATCTGATGGTTAAA[C>T]CATCGGAGGAGAAACTCTAGACTGCAAGAACTGTTTTTACCCATGGCATGGGTGGAATTA-3'